The following is an entry in ClinVar:

ClinVar aggregate classification (germline): Uncertain significance (1 of 4 stars; one submission).

gnomAD v4.1: 8 of 1,613,154 alleles (0.0005%); highest among the groups gnomAD compares: Non-Finnish European, 0.00068%; no homozygotes.

Submission:

Women's Health and Genetics/Laboratory Corporation of America, LabCorp
Classification: Uncertain significance. Last evaluated: 2026-01-07. Review status: criteria provided, single submitter. Criteria: LabCorp Variant Classification Summary - May 2015. Collection method: clinical testing. Allele origin: germline.
Comment: Variant summary: AEBP1 c.2389G>A (p.Glu797Lys) results in a conservative amino acid change located in the Peptidase M14, carboxypeptidase A domain (IPR000834) of the encoded protein sequence. Algorithms developed to predict the effect of missense changes on protein structure and function are either unavailable or do not agree on the potential impact of this missense change. The variant allele was found at a frequency of 1.2e-05 in 249374 control chromosomes in the gnomAD database, including 1 homozygotes. The available data on variant occurrences in the general population are insufficient to allow any conclusion about variant significance. To our knowledge, no occurrence of c.2389G>A in individuals affected with AEBP1-related conditions and no experimental evidence demonstrating its impact on protein function have been reported. No submitters have cited clinical-significance assessments for this variant to ClinVar. Based on the evidence outlined above, the variant was classified as uncertain significance.

NM_001129.5(AEBP1):c.2389G>A (p.Glu797Lys)

Gene: AEBP1 (AE binding protein 1; plus strand). Cytogenetic location: 7p13.
Variant type: single nucleotide variant.
Coding change: c.2389G>A on transcript NM_001129.5 (MANE Select); coding-DNA position 2389, G replaced by A.
Protein change: p.Glu797Lys; replaces glutamic acid 797 with lysine.
Molecular consequence: missense variant.
Genome position (GRCh38, 1-based): chr7:44,112,729, G>A. VCF-style: chr7-44112729-G-A. GRCh37 (hg19) VCF-style: chr7-44152328-G-A.
Other names: short protein forms E797K.
Identifiers: ClinVar variation 4689568 (VCV004689568.1).
Genomic context (GRCh38, chr7:44,112,729, plus strand): 5'-CGCACGCCTACCCAGGAGCAGCTGCTGGCCGCAGCCATGGCAGCAGCCCGGGGGGAGGAT[G>A]AGGACGAGGTCTCCGAGGCCCAGGAGACTCCAGACCACGCCATCTTCCGGTGGCTTGCCA-3'
Protein context (NP_001120.3, residues 787-807): AAMAAARGED[Glu797Lys]DEVSEAQETP